The following is an entry in ClinVar:

NM_001394062.1(MACF1):c.1586C>T (p.Ser529Leu)

Gene: MACF1 (microtubule actin crosslinking factor 1; plus strand). Cytogenetic location: 1p34.3.
Variant type: single nucleotide variant.
Coding change: c.1586C>T on transcript NM_001394062.1 (MANE Select); coding-DNA position 1586, C replaced by T.
Protein change: p.Ser529Leu; replaces serine 529 with leucine.
Molecular consequence: missense variant.
Genome position (GRCh38, 1-based): chr1:39,287,363, C>T. VCF-style: chr1-39287363-C-T. GRCh37 (hg19) VCF-style: chr1-39753035-C-T.
Other names: c.1601C>T, p.Ser534Leu (NM_012090.5); short protein forms S534L, S529L.
Identifiers: ClinVar variation 2794591 (VCV002794591.3), dbSNP rs2521407487, ClinGen allele CA339760699.

ClinVar aggregate classification (germline): Uncertain significance (1 of 4 stars; one submission).

Allele frequency attached by ClinVar (database versions not stated): gnomAD exomes below 0.00001.
gnomAD v4.1: 2 of 1,614,144 alleles (0.00012%); highest among the groups gnomAD compares: Non-Finnish European, 0.00017%; no homozygotes.

Submission:

Labcorp Genetics (formerly Invitae), Labcorp
Classification: Uncertain significance. Last evaluated: 2024-01-03. Review status: criteria provided, single submitter. Criteria: Invitae Variant Classification Sherloc (09022015). Collection method: clinical testing. Allele origin: germline.
Comment: This sequence change replaces serine, which is neutral and polar, with leucine, which is neutral and non-polar, at codon 534 of the MACF1 protein (p.Ser534Leu). This variant is not present in population databases (gnomAD no frequency). This variant has not been reported in the literature in individuals affected with MACF1-related conditions. An algorithm developed to predict the effect of missense changes on protein structure and function (PolyPhen-2) suggests that this variant is likely to be tolerated. In summary, the available evidence is currently insufficient to determine the role of this variant in disease. Therefore, it has been classified as a Variant of Uncertain Significance.